The following is an entry in ClinVar:

NM_004655.4(AXIN2):c.1261C>G (p.His421Asp)

Gene: AXIN2 (axin 2; minus strand). Cytogenetic location: 17q24.1.
Variant type: single nucleotide variant.
Coding change: c.1261C>G on transcript NM_004655.4 (MANE Select); coding-DNA position 1261, C replaced by G.
Protein change: p.His421Asp; replaces histidine 421 with aspartic acid.
Molecular consequence: missense variant.
Genome position (GRCh38, 1-based): chr17:65,537,775, G>C on the plus strand (C>G on the coding strand, the complement: AXIN2 is on the minus strand). VCF-style: chr17-65537775-G-C. GRCh37 (hg19) VCF-style: chr17-63533893-G-C.
Other names: c.1261C>G, p.His421Asp (NM_001363813.1); short protein forms H421D.
Identifiers: ClinVar variation 5032566 (VCV005032566.1).
Genomic context (GRCh38, chr17:65,537,775, plus strand): 5'-CGTCCAGTATCGTCTGCGGGTCTTCCTCGTAGCTGCCGGAGGGCAGTAGGGAGAGGGGGT[G>C]CTGCGTGGGCGCCCCCTCCCGCGAATTGAGTGTGAGCTCGGAGCCCTCTCTCTCTTCATC-3'
Protein context (NP_004646.3, residues 411-431): LNSREGAPTQ[His421Asp]PLSLLPSGSY

ClinVar aggregate classification (germline): Uncertain significance (1 of 4 stars; one submission).

Conditions:
Hereditary cancer-predisposing syndrome. Also called: Neoplastic Syndromes, Hereditary; Tumor predisposition; Hereditary neoplastic syndrome; Hereditary Cancer Syndrome. Identifiers: Orphanet 140162, MedGen C0027672, MeSH D009386, MONDO:0015356.

Submission:

Ambry Genetics
Classification: Uncertain significance for Hereditary cancer-predisposing syndrome. Last evaluated: 2026-07-06. Review status: criteria provided, single submitter. Criteria: Ambry Variant Classification Scheme 2023. Collection method: clinical testing. Allele origin: germline.
Comment: The p.H421D variant (also known as c.1261C>G), located in coding exon 5 of the AXIN2 gene, results from a C to G substitution at nucleotide position 1261. The histidine at codon 421 is replaced by aspartic acid, an amino acid with similar properties. This amino acid position is conserved. In addition, the in silico prediction for this alteration is inconclusive. Based on the available evidence, the clinical significance of this variant remains unclear.